The following is an entry in ClinVar:

ClinVar aggregate classification (germline): Uncertain significance (1 of 4 stars; one submission).

Allele frequency attached by ClinVar (database versions not stated): gnomAD exomes 0.00001; ExAC 0.00003; gnomAD 0.00003; TOPMed 0.00003.
gnomAD v4.1: 20 of 1,602,838 alleles (0.0012%); highest among the groups gnomAD compares: Non-Finnish European, 0.0016%; no homozygotes.

Submission:

Women's Health and Genetics/Laboratory Corporation of America, LabCorp
Classification: Uncertain significance. Last evaluated: 2023-11-20. Review status: criteria provided, single submitter. Criteria: LabCorp Variant Classification Summary - May 2015. Collection method: clinical testing. Allele origin: germline.
Comment: Variant summary: LMNB1 c.1160+6G>A alters a non-conserved nucleotide located close to a canonical splice site and therefore could affect mRNA splicing, leading to a significantly altered protein sequence. Consensus agreement among computation tools predict no significant impact on normal splicing. However, these predictions have yet to be confirmed by functional studies. The variant allele was found at a frequency of 1.2e-05 in 248498 control chromosomes. The available data on variant occurrences in the general population are insufficient to allow any conclusion about variant significance. To our knowledge, no occurrence of c.1160+6G>A in individuals affected with LMNB1-Related Disorders and no experimental evidence demonstrating its impact on protein function have been reported. No submitters have cited clinical-significance assessments for this variant to ClinVar after 2014. Based on the evidence outlined above, the variant was classified as uncertain significance.

NM_005573.4(LMNB1):c.1160+6G>A

Gene: LMNB1 (lamin B1; plus strand). Cytogenetic location: 5q23.2.
Variant type: single nucleotide variant.
Coding change: c.1160+6G>A on transcript NM_005573.4 (MANE Select); 6 bases into the intron after coding-DNA position 1160, G replaced by A.
Molecular consequence: intron variant.
Genome position (GRCh38, 1-based): chr5:126,819,148, G>A. VCF-style: chr5-126819148-G-A. GRCh37 (hg19) VCF-style: chr5-126154840-G-A.
Other names: c.530+6G>A (NM_001198557.2).
Identifiers: ClinVar variation 2682189 (VCV002682189.1), dbSNP rs751487377, ClinGen allele CA3390637.
Genomic context (GRCh38, chr5:126,819,148, plus strand): 5'-CCCTGGACATGGAAATCAGTGCTTACAGGAAACTCTTAGAAGGCGAAGAAGAGAGGTAAG[G>A]AACTTAAGGGTCACCCTACCTTATGGTCCACTTTTTGCCTCTCACCCTTTTTATTGAAAT-3'